The following is an entry in ClinVar:

ClinVar aggregate classification (germline): Uncertain significance (1 of 4 stars; one submission).

Conditions:
RASopathy. Also called: rasopathies; Noonan spectrum disorder. Identifiers: Orphanet 536391, MedGen C5555857, MONDO:0021060.

Allele frequency attached by ClinVar (database versions not stated): gnomAD exomes below 0.00001.
gnomAD v4.1: 1 of 1,612,998 alleles (0.000062%); highest among the groups gnomAD compares: South Asian, 0.0011%; no homozygotes.

Submission:

Labcorp Genetics (formerly Invitae), Labcorp
Classification: Uncertain significance for RASopathy. Last evaluated: 2022-02-18. Review status: criteria provided, single submitter. Criteria: Invitae Variant Classification Sherloc (09022015). Collection method: clinical testing. Allele origin: germline.
Comment: This sequence change replaces valine, which is neutral and non-polar, with isoleucine, which is neutral and non-polar, at codon 109 of the KRAS protein (p.Val109Ile). This variant is not present in population databases (gnomAD no frequency). This variant has not been reported in the literature in individuals affected with KRAS-related conditions. Algorithms developed to predict the effect of missense changes on protein structure and function are either unavailable or do not agree on the potential impact of this missense change (SIFT: "Deleterious"; PolyPhen-2: "Benign"; Align-GVGD: "Class C25"). In summary, the available evidence is currently insufficient to determine the role of this variant in disease. Therefore, it has been classified as a Variant of Uncertain Significance.

NM_004985.5(KRAS):c.325G>A (p.Val109Ile)

Gene: KRAS (KRAS proto-oncogene, GTPase; minus strand). Cytogenetic location: 12p12.1.
Variant type: single nucleotide variant.
Coding change: c.325G>A on transcript NM_004985.5 (MANE Select); coding-DNA position 325, G replaced by A.
Protein change: p.Val109Ile; replaces valine 109 with isoleucine.
Molecular consequence: missense variant.
Genome position (GRCh38, 1-based): chr12:25,225,739, C>T on the plus strand (G>A on the coding strand, the complement: KRAS is on the minus strand). VCF-style: chr12-25225739-C-T. GRCh37 (hg19) VCF-style: chr12-25378673-C-T.
Other names: c.325G>A, p.Val109Ile (NM_001369786.1, NM_001369787.1, NM_033360.4); short protein forms V109I.
Identifiers: ClinVar variation 1908428 (VCV001908428.5), dbSNP rs2141506370, ClinGen allele CA384151542.